The following is an entry in ClinVar:

ClinVar aggregate classification (germline): Uncertain significance. Review status: criteria provided, multiple submitters, no conflicts (2 of 4 stars). 3 submissions from 3 submitters: Uncertain significance (3). Last evaluated 2021-10-25.

Conditions:
Myopathy, myofibrillar, 9, with early respiratory failure (MFM9). Also called: EDSTROM MYOPATHY; MYOPATHY, PROXIMAL, WITH EARLY RESPIRATORY MUSCLE INVOLVEMENT; Myopathy, distal, with early respiratory failure, autosomal dominant; Hereditary myopathy with early respiratory failure. Identifiers: Orphanet 178464, Orphanet 34521, MedGen C1863599, MONDO:0011362, OMIM 603689.
Early-onset myopathy with fatal cardiomyopathy (CMYO5). Also called: CONGENITAL MYOPATHY 5 WITH CARDIOMYOPATHY; Salih Myopathy. Identifiers: Orphanet 289377, MedGen C2673677, MONDO:0012714, OMIM 611705. Disease mechanism: loss of function.
Hypertrophic cardiomyopathy 9. Also called: Familial hypertrophic cardiomyopathy 9. Identifiers: MedGen C1861065, MONDO:0013412, OMIM 613765.
Dilated cardiomyopathy 1G (CMD1G). Identifiers: Orphanet 154, MedGen C1858763, MONDO:0011400, OMIM 604145.
Tibial muscular dystrophy (TMD). Also called: UDD MYOPATHY; Tibial muscular dystrophy, tardive; Udd Distal Myopathy – Tibial Muscular Dystrophy. Identifiers: Orphanet 609, MedGen C1838244, MONDO:0010870, OMIM 600334.
Autosomal recessive limb-girdle muscular dystrophy type 2J (LGMDR10). Also called: MUSCULAR DYSTROPHY, LIMB-GIRDLE, AUTOSOMAL RECESSIVE 10; Limb-girdle muscular dystrophy, type 2J. Identifiers: Orphanet 140922, MedGen C1837342, MONDO:0012127, OMIM 608807.

Allele frequency attached by ClinVar (database versions not stated): ExAC 0.00002; gnomAD exomes 0.00002; TOPMed 0.00004; gnomAD 0.00005.
gnomAD v4.1: 30 of 1,613,880 alleles (0.0019%); highest among the groups gnomAD compares: African/African-American, 0.0053%; no homozygotes.

Submissions (3):

Fulgent Genetics
Classification: Uncertain significance for Tibial muscular dystrophy; Myopathy, myofibrillar, 9, with early respiratory failure; Dilated cardiomyopathy 1G; Autosomal recessive limb-girdle muscular dystrophy type 2J; Early-onset myopathy with fatal cardiomyopathy; Hypertrophic cardiomyopathy 9. Last evaluated: 2021-10-25. Review status: criteria provided, single submitter. Criteria: ACMG Guidelines, 2015. Collection method: clinical testing. Allele origin: unknown.

Athena Diagnostics
Classification: Uncertain significance. Last evaluated: 2016-12-13. Review status: criteria provided, single submitter. Criteria: Athena Diagnostics Criteria. Collection method: clinical testing. Allele origin: germline.

GeneDx
Classification: Uncertain significance. Last evaluated: 2013-03-12. Review status: criteria provided, single submitter. Criteria: GeneDx Variant Classification (06012015). Collection method: clinical testing. Allele origin: germline. Affected: yes.
Comment: Missense variants in the TTN gene are considered 'unclassified' if they are not previously reported in the literature and do not have >1% frequency in the population to be considered a polymorphism. Research indicates that truncating mutations in the TTN gene are expected to account for approximately 25% of familial and 18% of sporadic idiopathic DCM; however, truncating variants in the TTN gene have been reported in approximately 3% of reported control alleles. There has been little investigation into non-truncating variants. (Herman D et al. Truncations of titin causing dilated cardiomyopathy. N Eng J Med 366:619-628, 2012) The variant is found in DCM panel(s).

NM_001267550.2(TTN):c.10204G>A (p.Glu3402Lys)

Gene: TTN (titin; minus strand). Cytogenetic location: 2q31.2.
Variant type: single nucleotide variant.
Coding change: c.10204G>A on transcript NM_001267550.2 (MANE Select); coding-DNA position 10204, G replaced by A.
Protein change: p.Glu3402Lys; replaces glutamic acid 3402 with lysine.
Molecular consequence: missense variant.
Genome position (GRCh38, 1-based): chr2:178,759,083, C>T on the plus strand (G>A on the coding strand, the complement: TTN is on the minus strand). VCF-style: chr2-178759083-C-T. GRCh37 (hg19) VCF-style: chr2-179623810-C-T.
Other names: p.E3402K:GAA>AAA; c.10066G>A, p.Glu3356Lys (NM_003319.4, NM_133432.3, NM_133437.4); c.10204G>A, p.Glu3402Lys (NM_133378.4, NM_133379.5, NM_001256850.1); short protein forms E3402K, E3356K.
Identifiers: ClinVar variation 203176 (VCV000203176.3), dbSNP rs766262957, ClinGen allele CA311587.